The following is an entry in ClinVar:

NM_022835.3(PLEKHG2):c.3116C>A (p.Pro1039His)

Gene: PLEKHG2 (pleckstrin homology and RhoGEF domain containing G2; plus strand). Cytogenetic location: 19q13.2.
Variant type: single nucleotide variant.
Coding change: c.3116C>A on transcript NM_022835.3 (MANE Select); coding-DNA position 3116, C replaced by A.
Protein change: p.Pro1039His; replaces proline 1039 with histidine.
Molecular consequence: missense variant. On other transcripts: intron variant (1).
Genome position (GRCh38, 1-based): chr19:39,424,249, C>A. VCF-style: chr19-39424249-C-A. GRCh37 (hg19) VCF-style: chr19-39914889-C-A.
Other names: c.2939C>A, p.Pro980His (NM_001351693.2); c.1678-989C>A (NM_001351694.2); short protein forms P980H, P1039H.
Identifiers: ClinVar variation 1992548 (VCV001992548.4), dbSNP rs2078748242, ClinGen allele CA405803387.

ClinVar aggregate classification (germline): Uncertain significance (1 of 4 stars; one submission).

Submission:

Labcorp Genetics (formerly Invitae), Labcorp
Classification: Uncertain significance. Last evaluated: 2024-10-08. Review status: criteria provided, single submitter. Criteria: Invitae Variant Classification Sherloc (09022015). Collection method: clinical testing. Allele origin: germline.
Comment: This sequence change replaces proline, which is neutral and non-polar, with histidine, which is basic and polar, at codon 1039 of the PLEKHG2 protein (p.Pro1039His). This variant is not present in population databases (gnomAD no frequency). This variant has not been reported in the literature in individuals affected with PLEKHG2-related conditions. ClinVar contains an entry for this variant (Variation ID: 1992548). An algorithm developed to predict the effect of missense changes on protein structure and function (PolyPhen-2) suggests that this variant is likely to be disruptive. In summary, the available evidence is currently insufficient to determine the role of this variant in disease. Therefore, it has been classified as a Variant of Uncertain Significance.